The following is an entry in ClinVar:

NM_001077365.2(POMT1):c.1210C>T (p.Gln404Ter)

Gene: POMT1 (protein O-mannosyltransferase 1; plus strand). Cytogenetic location: 9q34.13.
Variant type: single nucleotide variant.
Coding change: c.1210C>T on transcript NM_001077365.2 (MANE Select); coding-DNA position 1210, C replaced by T.
Protein change: p.Gln404Ter; replaces glutamine 404 with a stop codon.
Molecular consequence: nonsense. On other transcripts: non-coding transcript variant (10).
Genome position (GRCh38, 1-based): chr9:131,515,460, C>T. VCF-style: chr9-131515460-C-T. GRCh37 (hg19) VCF-style: chr9-134390847-C-T.
Other names: c.1048C>T, p.Gln350Ter (NM_001077366.2, NM_001353194.2); c.1210C>T, p.Gln404Ter (NM_001136113.2, NM_001374690.1); c.859C>T, p.Gln287Ter (NM_001136114.2, NM_001353195.2, NM_001374691.1 and 2 more transcripts); c.1276C>T, p.Gln426Ter (NM_001353193.2, NM_007171.4); c.1120C>T, p.Gln374Ter (NM_001353196.2); c.1114C>T, p.Gln372Ter (NM_001353197.2, NM_001353198.2); c.925C>T, p.Gln309Ter (NM_001353199.2); c.754C>T, p.Gln252Ter (NM_001353200.2); and 2 more; short protein forms Q426*, Q350*, Q252*, Q372*, Q374*, Q404*, Q287*, Q309*.
Identifiers: ClinVar variation 523808 (VCV000523808.5), dbSNP rs1554778005, ClinGen allele CA375309889.

ClinVar aggregate classification (germline): Pathogenic/Likely pathogenic. Review status: criteria provided, multiple submitters, no conflicts (2 of 4 stars). 3 submissions from 3 submitters: Pathogenic (1); Likely pathogenic (2). Last evaluated 2026-01-23.

Conditions:
Autosomal recessive limb-girdle muscular dystrophy type 2K. Also called: MUSCULAR DYSTROPHY-DYSTROGLYCANOPATHY (LIMB-GIRDLE), TYPE C, 1; MUSCULAR DYSTROPHY, LIMB-GIRDLE, TYPE 2K. Identifiers: Orphanet 86812, MedGen C1836373, MONDO:0012248, OMIM 609308.
Walker-Warburg congenital muscular dystrophy. Also called: Muscular dystrophy-dystroglycanopathy, type A; Walker-Warburg syndrome. Identifiers: Orphanet 899, MedGen C0265221, MONDO:0000171.
Muscular dystrophy-dystroglycanopathy (congenital with impaired intellectual development), type B, 1. Also called: Muscular dystrophy-dystroglycanopathy (congenital with intellectual disability), type B1; MUSCULAR DYSTROPHY, CONGENITAL, POMT1-RELATED. Identifiers: MedGen C5436962, MONDO:0013159, OMIM 613155.
Muscular dystrophy-dystroglycanopathy (congenital with brain and eye anomalies), type A1 (MDDGA1). Also called: Muscular dystrophy-dystroglycanopathy (congenital with brain and eye anomalies), type A, 1; WALKER-WARBURG SYNDROME OR MUSCLE-EYE-BRAIN DISEASE, POMT1-RELATED; Hydrocephalus, agyria and retinal dysplasia; Hard +/- E syndrome; Warburg syndrome; Chemke syndrome. Identifiers: Orphanet 588, Orphanet 899, MedGen C4284790, MONDO:0009364, OMIM 236670.

Allele frequency attached by ClinVar (database versions not stated): gnomAD exomes below 0.00001.

Submissions (3):

GeneDx
Classification: Likely pathogenic. Last evaluated: 2026-01-23. Review status: criteria provided, single submitter. Criteria: GeneDx Variant Classification Process June 2021. Collection method: clinical testing. Allele origin: germline. Affected: yes.
Comment: Nonsense variant predicted to result in protein truncation or nonsense mediated decay in a gene for which loss of function is a known mechanism of disease; Not observed at significant frequency in large population cohorts (gnomAD); Has not been previously published as pathogenic or benign to our knowledge

Labcorp Genetics (formerly Invitae), Labcorp
Classification: Pathogenic for Muscular dystrophy-dystroglycanopathy (congenital with impaired intellectual development), type B, 1; Walker-Warburg congenital muscular dystrophy; Autosomal recessive limb-girdle muscular dystrophy type 2K. Last evaluated: 2025-03-12. Review status: criteria provided, single submitter. Criteria: Invitae Variant Classification Sherloc (09022015). Collection method: clinical testing. Allele origin: germline.
Comment: This sequence change creates a premature translational stop signal (p.Gln426*) in the POMT1 gene. It is expected to result in an absent or disrupted protein product. Loss-of-function variants in POMT1 are known to be pathogenic (PMID: 12369018, 15637732, 16575835). This variant is not present in population databases (gnomAD no frequency). This variant has not been reported in the literature in individuals affected with POMT1-related conditions. ClinVar contains an entry for this variant (Variation ID: 523808). For these reasons, this variant has been classified as Pathogenic.

Baylor Genetics
Classification: Likely pathogenic for Muscular dystrophy-dystroglycanopathy (congenital with brain and eye anomalies), type A1. Last evaluated: 2023-10-28. Review status: criteria provided, single submitter. Criteria: ACMG Guidelines, 2015. Collection method: clinical testing. Allele origin: unknown.

Literature cited by the submitters: PubMed 12369018 (cited by Labcorp Genetics (formerly Invitae), Labcorp); PubMed 15637732 (cited by Labcorp Genetics (formerly Invitae), Labcorp); PubMed 16575835 (cited by Labcorp Genetics (formerly Invitae), Labcorp).